The following is an entry in ClinVar:

ClinVar aggregate classification (germline): Conflicting classifications of pathogenicity. Review status: criteria provided, conflicting classifications (1 of 4 stars). 4 submissions from 4 submitters: Uncertain significance (2); Likely benign (2). Last evaluated 2025-07-24.

Conditions:
Hereditary cancer-predisposing syndrome. Also called: Hereditary Cancer Syndrome; Tumor predisposition; Neoplastic Syndromes, Hereditary; Hereditary neoplastic syndrome. Identifiers: Orphanet 140162, MedGen C0027672, MeSH D009386, MONDO:0015356.
Hereditary breast ovarian cancer syndrome. Also called: Hereditary breast and ovarian cancer syndrome; Hereditary breast and/or ovarian cancer syndrome; Hereditary breast and ovarian cancer syndrome (HBOC); Breast and ovarian cancer; Hereditary breast and ovarian cancer; BRCA1- and BRCA2-Associated Hereditary Breast and Ovarian Cancer. Identifiers: Orphanet 145, MedGen C0677776, MeSH D061325, MONDO:0003582. Disease mechanism: loss of function.

Allele frequency attached by ClinVar (database versions not stated): TOPMed below 0.00001.

Submissions (4):

Labcorp Genetics (formerly Invitae), Labcorp
Classification: Uncertain significance for Hereditary breast ovarian cancer syndrome. Last evaluated: 2025-07-24. Review status: criteria provided, single submitter. Criteria: Invitae Variant Classification Sherloc (09022015). Collection method: clinical testing. Allele origin: germline.
Comment: This sequence change replaces glutamic acid, which is acidic and polar, with valine, which is neutral and non-polar, at codon 1455 of the BRCA2 protein (p.Glu1455Val). This variant is not present in population databases (gnomAD no frequency). This variant has not been reported in the literature in individuals affected with BRCA2-related conditions. ClinVar contains an entry for this variant (Variation ID: 863195). Invitae Evidence Modeling of protein sequence and biophysical properties (such as structural, functional, and spatial information, amino acid conservation, physicochemical variation, residue mobility, and thermodynamic stability) indicates that this missense variant is not expected to disrupt BRCA2 protein function with a negative predictive value of 95%. In summary, the available evidence is currently insufficient to determine the role of this variant in disease. Therefore, it has been classified as a Variant of Uncertain Significance.

Molecular Diagnostics Laboratory, Catalan Institute of Oncology
Classification: Likely benign for Hereditary cancer-predisposing syndrome. Last evaluated: 2024-12-08. Review status: criteria provided, single submitter. Criteria: ClinGen BRCA1BRCA2 ACMG Specifications BRCA2 V1.0.0. Collection method: clinical testing. Allele origin: germline.
Comment: PM2_Supporting, BP1_Strong c.4364A>T, located in exon 17 of the BRCA2 gene, is predicted to result in the substitution of glutamic acid by valine at codon 1455, p.(Glu1455Val). This position is outside a (potentially) clinically important functional domain and the SpliceAI algorithm predicts no significant impact on splicing (BP1_Strong). It is not present in the population database gnomAD v2.1.1, non cancer dataset (PM2_supporting). This variant has been reported in the ClinVar database (2x uncertain significance, 1 likely benign) and in BRCA Exchange database as not yet reviewed but it is not present in the LOVD database. Based on currently available information, c.4364A>T is classified as a likely benign variant according to ClinGen- BRCA1 and BRCA2 Guidelines version 1.0.0.

Ambry Genetics
Classification: Uncertain significance for Hereditary cancer-predisposing syndrome. Last evaluated: 2023-04-25. Review status: criteria provided, single submitter. Criteria: Ambry Variant Classification Scheme 2023. Collection method: clinical testing. Allele origin: germline.
Comment: The p.E1455V variant (also known as c.4364A>T), located in coding exon 10 of the BRCA2 gene, results from an A to T substitution at nucleotide position 4364. The glutamic acid at codon 1455 is replaced by valine, an amino acid with dissimilar properties. This amino acid position is conserved. In addition, this alteration is predicted to be tolerated by in silico analysis. Since supporting evidence is limited at this time, the clinical significance of this alteration remains unclear.

University of Washington Department of Laboratory Medicine, University of Washington
Classification: Likely benign for Hereditary cancer-predisposing syndrome. Last evaluated: 2023-03-23. Review status: criteria provided, single submitter. Criteria: Dines et al. (Genet Med. 2020). Collection method: curation. Allele origin: germline.
Comment: Missense variant in a coldspot region where missense variants are very unlikely to be pathogenic (PMID:31911673).

BRCA2 exon 11 coldspot. Reclassification based on statistical prior probability.

NM_000059.4(BRCA2):c.4364A>T (p.Glu1455Val)

Gene: BRCA2 (BRCA2 DNA repair associated; plus strand). Cytogenetic location: 13q13.1.
Variant type: single nucleotide variant.
Coding change: c.4364A>T on transcript NM_000059.4 (MANE Select); coding-DNA position 4364, A replaced by T.
Protein change: p.Glu1455Val; replaces glutamic acid 1455 with valine.
Molecular consequence: missense variant.
Genome position (GRCh38, 1-based): chr13:32,338,719, A>T. VCF-style: chr13-32338719-A-T. GRCh37 (hg19) VCF-style: chr13-32912856-A-T.
Other names: short protein forms E1455V.
Identifiers: ClinVar variation 863195 (VCV000863195.14), dbSNP rs2072502464, ClinGen allele CA387780982.